The following is an entry in ClinVar:

ClinVar aggregate classification (germline): Uncertain significance (1 of 4 stars; one submission).

Conditions:
Mucopolysaccharidosis type 1. Also called: IDUA deficiency; MPS I. Identifiers: Orphanet 579, MedGen C0023786, MONDO:0001586.

Allele frequency attached by ClinVar (database versions not stated): gnomAD exomes 0.00001.
gnomAD v4.1: 9 of 1,612,402 alleles (0.00056%); highest among the groups gnomAD compares: Non-Finnish European, 0.00068%; no homozygotes.

Submission:

Labcorp Genetics (formerly Invitae), Labcorp
Classification: Uncertain significance for Mucopolysaccharidosis type 1. Last evaluated: 2023-09-05. Review status: criteria provided, single submitter. Criteria: Invitae Variant Classification Sherloc (09022015). Collection method: clinical testing. Allele origin: germline.
Comment: In summary, the available evidence is currently insufficient to determine the role of this variant in disease. Therefore, it has been classified as a Variant of Uncertain Significance. Advanced modeling of protein sequence and biophysical properties (such as structural, functional, and spatial information, amino acid conservation, physicochemical variation, residue mobility, and thermodynamic stability) has been performed at Invitae for this missense variant, however the output from this modeling did not meet the statistical confidence thresholds required to predict the impact of this variant on IDUA protein function. This variant has not been reported in the literature in individuals affected with IDUA-related conditions. This variant is not present in population databases (gnomAD no frequency). This sequence change replaces threonine, which is neutral and polar, with isoleucine, which is neutral and non-polar, at codon 560 of the IDUA protein (p.Thr560Ile).

NM_000203.5(IDUA):c.1679C>T (p.Thr560Ile)

Gene: IDUA (alpha-L-iduronidase; plus strand). Cytogenetic location: 4p16.3.
Variant type: single nucleotide variant.
Coding change: c.1679C>T on transcript NM_000203.5 (MANE Select); coding-DNA position 1679, C replaced by T.
Protein change: p.Thr560Ile; replaces threonine 560 with isoleucine.
Molecular consequence: missense variant. On other transcripts: non-coding transcript variant (1).
Genome position (GRCh38, 1-based): chr4:1,003,577, C>T. VCF-style: chr4-1003577-C-T. GRCh37 (hg19) VCF-style: chr4-997365-C-T.
Other names: c.1283C>T, p.Thr428Ile (NM_001363576.1); short protein forms T560I, T428I.
Identifiers: ClinVar variation 2778551 (VCV002778551.2), dbSNP rs773249605, ClinGen allele CA91171124.